The following is an entry in ClinVar:

NM_012096.3(APPL1):c.107A>G (p.Tyr36Cys)

Gene: APPL1 (adaptor protein, phosphotyrosine interacting with PH domain and leucine zipper 1; plus strand). Cytogenetic location: 3p14.3.
Variant type: single nucleotide variant.
Coding change: c.107A>G on transcript NM_012096.3 (MANE Select); coding-DNA position 107, A replaced by G.
Protein change: p.Tyr36Cys; replaces tyrosine 36 with cysteine.
Molecular consequence: missense variant.
Genome position (GRCh38, 1-based): chr3:57,235,618, A>G. VCF-style: chr3-57235618-A-G. GRCh37 (hg19) VCF-style: chr3-57269646-A-G.
Other names: short protein forms Y36C.
Identifiers: ClinVar variation 3600418 (VCV003600418.2).

ClinVar aggregate classification (germline): Uncertain significance. Review status: criteria provided, multiple submitters, no conflicts (2 of 4 stars). 2 submissions from 2 submitters: Uncertain significance (2). Last evaluated 2025-04-23.

Conditions:
Maturity-onset diabetes of the young type 14. Also called: MODY 14. Identifiers: Orphanet 552, MedGen C4225299, MONDO:0014674, OMIM 616511.

gnomAD v4.1: 7 of 1,613,616 alleles (0.00043%); highest among the groups gnomAD compares: African/African-American, 0.0027%; no homozygotes.

Submissions (2):

Labcorp Genetics (formerly Invitae), Labcorp
Classification: Uncertain significance. Last evaluated: 2025-04-23. Review status: criteria provided, single submitter. Criteria: Invitae Variant Classification Sherloc (09022015). Collection method: clinical testing. Allele origin: germline.
Comment: This sequence change replaces tyrosine, which is neutral and polar, with cysteine, which is neutral and slightly polar, at codon 36 of the APPL1 protein (p.Tyr36Cys). This variant is present in population databases (rs188131823, gnomAD 0.007%). This variant has not been reported in the literature in individuals affected with APPL1-related conditions. ClinVar contains an entry for this variant (Variation ID: 3600418). Invitae Evidence Modeling of protein sequence and biophysical properties (such as structural, functional, and spatial information, amino acid conservation, physicochemical variation, residue mobility, and thermodynamic stability) indicates that this missense variant is not expected to disrupt APPL1 protein function with a negative predictive value of 80%. In summary, the available evidence is currently insufficient to determine the role of this variant in disease. Therefore, it has been classified as a Variant of Uncertain Significance.

Clinical Genomics Laboratory, Washington University in St. Louis
Classification: Uncertain significance for Maturity-onset diabetes of the young type 14. Last evaluated: 2024-09-24. Review status: criteria provided, single submitter. Criteria: ACMG Guidelines, 2015. Collection method: clinical testing. Allele origin: germline.
Comment: An APPL1 c.107A>G (p.Tyr36Cys) variant was identified in a heterozygous state. The APPL1 c.107A>G (p.Tyr36Cys) variant, to our knowledge, has not been reported in the medical literature in individuals with monogenic diabetes. This variant is only observed on 2/251,194 alleles in the general population (gnomAD v.2.1.1), indicating it is not a common variant. Due to limited information, and based on the ACMG/AMP guidelines for variant interpretation (Richards S et al., PMID: 25741868), the APPL1 c.107A>G (p.Tyr36Cys) variant is classified as a variant of uncertain significance at this time.